The following is an entry in ClinVar:

NM_000038.6(APC):c.2074C>T (p.Pro692Ser)

Gene: APC (APC regulator of Wnt signaling pathway; plus strand). Cytogenetic location: 5q22.2.
Variant type: single nucleotide variant.
Coding change: c.2074C>T on transcript NM_000038.6 (MANE Select); coding-DNA position 2074, C replaced by T.
Protein change: p.Pro692Ser; replaces proline 692 with serine.
Molecular consequence: missense variant.
Genome position (GRCh38, 1-based): chr5:112,837,668, C>T. VCF-style: chr5-112837668-C-T. GRCh37 (hg19) VCF-style: chr5-112173365-C-T.
Other names: c.2074C>T, p.Pro692Ser (NM_001127510.3, NM_001354895.2); c.2020C>T, p.Pro674Ser (NM_001127511.3); c.2128C>T, p.Pro710Ser (NM_001354896.2); c.2104C>T, p.Pro702Ser (NM_001354897.2); c.1999C>T, p.Pro667Ser (NM_001354898.2); c.1990C>T, p.Pro664Ser (NM_001354899.2); c.1951C>T, p.Pro651Ser (NM_001354900.2); c.1897C>T, p.Pro633Ser (NM_001354901.2); and 5 more; short protein forms P674S, P692S, P601S, P664S, P667S, P409S, P566S, P633S.
Identifiers: ClinVar variation 619765 (VCV000619765.15), dbSNP rs1561574669, ClinGen allele CA16025858.

ClinVar aggregate classification (germline): Uncertain significance. Review status: criteria provided, multiple submitters, no conflicts (2 of 4 stars). 3 submissions from 3 submitters: Uncertain significance (3). Last evaluated 2026-01-31.

Conditions:
Hereditary cancer-predisposing syndrome. Also called: Neoplastic Syndromes, Hereditary; Hereditary neoplastic syndrome; Tumor predisposition; Hereditary Cancer Syndrome. Identifiers: Orphanet 140162, MedGen C0027672, MeSH D009386, MONDO:0015356.
Familial adenomatous polyposis 1 (FAP1). Also called: FAMILIAL ADENOMATOUS POLYPOSIS 1, ATTENUATED; POLYPOSIS, ADENOMATOUS INTESTINAL. Identifiers: MedGen C2713442, MONDO:0021056, OMIM 175100. Disease mechanism: loss of function.

Allele frequency attached by ClinVar (database versions not stated): gnomAD 0.00001.
gnomAD v4.1: 1 of 1,613,904 alleles (0.000062%); highest among the groups gnomAD compares: African/African-American, 0.0013%; no homozygotes.

Submissions (3):

Labcorp Genetics (formerly Invitae), Labcorp
Classification: Uncertain significance for Familial adenomatous polyposis 1. Last evaluated: 2026-01-31. Review status: criteria provided, single submitter. Criteria: Invitae Variant Classification Sherloc (09022015). Collection method: clinical testing. Allele origin: germline.
Comment: This sequence change replaces proline, which is neutral and non-polar, with serine, which is neutral and polar, at codon 692 of the APC protein (p.Pro692Ser). This variant is not present in population databases (gnomAD no frequency). This variant has not been reported in the literature in individuals affected with APC-related conditions. ClinVar contains an entry for this variant (Variation ID: 619765). Invitae Evidence Modeling of protein sequence and biophysical properties (such as structural, functional, and spatial information, amino acid conservation, physicochemical variation, residue mobility, and thermodynamic stability) indicates that this missense variant is not expected to disrupt APC protein function with a negative predictive value of 95%. In summary, the available evidence is currently insufficient to determine the role of this variant in disease. Therefore, it has been classified as a Variant of Uncertain Significance.

Ambry Genetics
Classification: Uncertain significance for Hereditary cancer-predisposing syndrome. Last evaluated: 2024-12-26. Review status: criteria provided, single submitter. Criteria: Ambry Variant Classification Scheme 2023. Collection method: clinical testing. Allele origin: germline.
Comment: The p.P692S variant (also known as c.2074C>T), located in coding exon 15 of the APC gene, results from a C to T substitution at nucleotide position 2074. The proline at codon 692 is replaced by serine, an amino acid with similar properties. This amino acid position is not well conserved in available vertebrate species. In addition, in silico predictors for this gene do not accurately predict pathogenicity. Missense alterations in APC are not a common cause of disease (Spier I et al. Genet Med. 2024 Feb;26(2):100992). Based on the available evidence, the clinical significance of this variant remains unclear.

Quest Diagnostics Nichols Institute San Juan Capistrano
Classification: Uncertain significance. Last evaluated: 2017-11-21. Review status: criteria provided, single submitter. Criteria: Quest Diagnostics criteria. Collection method: clinical testing. Allele origin: germline.